The following is an entry in ClinVar:

NM_000552.5(VWF):c.4906G>A (p.Val1636Met)

Gene: VWF (von Willebrand factor; minus strand). Cytogenetic location: 12p13.31.
Variant type: single nucleotide variant.
Coding change: c.4906G>A on transcript NM_000552.5 (MANE Select); coding-DNA position 4906, G replaced by A.
Protein change: p.Val1636Met; replaces valine 1636 with methionine.
Molecular consequence: missense variant.
Genome position (GRCh38, 1-based): chr12:6,018,512, C>T on the plus strand (G>A on the coding strand, the complement: VWF is on the minus strand). VCF-style: chr12-6018512-C-T. GRCh37 (hg19) VCF-style: chr12-6127678-C-T.
Other names: short protein forms V1636M.
Identifiers: ClinVar variation 619936 (VCV000619936.4), dbSNP rs145676400, ClinGen allele CA6402441.
Genomic context (GRCh38, chr12:6,018,512, plus strand): 5'-TCTCAAAGTCCTGGATGAGGATAGGGGCATTGGGCCAGCCAATCCTCTCCAGCTCCTGCA[C>T]GTTGGCATTAGGGCCCACTCCAATGGGCACCACCTGGATGTCTCCAGGCAGCCTCTTGAT-3'
Protein context (NP_000543.3, residues 1626-1646): VPIGVGPNAN[Val1636Met]QELERIGWPN

ClinVar aggregate classification (germline): Uncertain significance. Review status: criteria provided, multiple submitters, no conflicts (2 of 4 stars). 2 submissions from 2 submitters: Uncertain significance (2). Last evaluated 2025-11-14.

Allele frequency attached by ClinVar (database versions not stated): gnomAD exomes 0.00005; ExAC 0.00007; gnomAD 0.00009 and 0.00011; TOPMed 0.00011; ESP Exome Variant Server 0.00023.
gnomAD v4.1: 80 of 1,613,814 alleles (0.005%); highest among the groups gnomAD compares: African/African-American, 0.044%; no homozygotes.

Submissions (2):

Women's Health and Genetics/Laboratory Corporation of America, LabCorp
Classification: Uncertain significance. Last evaluated: 2025-11-14. Review status: criteria provided, single submitter. Criteria: LabCorp Variant Classification Summary - May 2015. Collection method: clinical testing. Allele origin: germline.
Comment: Variant summary: VWF c.4906G>A (p.Val1636Met) results in a conservative amino acid change in the encoded protein sequence. Algorithms developed to predict the effect of missense changes on protein structure and function all suggest that this variant is likely to be tolerated. The variant allele was found at a frequency of 5.2e-05 in 251298 control chromosomes. This frequency is not significantly higher than estimated for disease-causing variants in VWF, allowing no conclusion about variant significance. To our knowledge, no occurrence of c.4906G>A in individuals affected with VWF-related conditions and no experimental evidence demonstrating its impact on protein function have been reported. ClinVar contains an entry for this variant (Variation ID: 619936). Based on the evidence outlined above, the variant was classified as uncertain significance.

Quest Diagnostics Nichols Institute San Juan Capistrano
Classification: Uncertain significance. Last evaluated: 2018-01-26. Review status: criteria provided, single submitter. Criteria: Quest Diagnostics criteria. Collection method: clinical testing. Allele origin: germline.